The following is an entry in ClinVar:

NM_000038.6(APC):c.1766T>C (p.Leu589Ser)

Gene: APC (APC regulator of Wnt signaling pathway; plus strand). Cytogenetic location: 5q22.2.
Variant type: single nucleotide variant.
Coding change: c.1766T>C on transcript NM_000038.6 (MANE Select); coding-DNA position 1766, T replaced by C.
Protein change: p.Leu589Ser; replaces leucine 589 with serine.
Molecular consequence: missense variant.
Genome position (GRCh38, 1-based): chr5:112,834,973, T>C. VCF-style: chr5-112834973-T-C. GRCh37 (hg19) VCF-style: chr5-112170670-T-C.
Other names: c.1766T>C, p.Leu589Ser (NM_001127510.3, NM_001354895.2); c.1712T>C, p.Leu571Ser (NM_001127511.3); c.1820T>C, p.Leu607Ser (NM_001354896.2); c.1796T>C, p.Leu599Ser (NM_001354897.2); c.1691T>C, p.Leu564Ser (NM_001354898.2); c.1682T>C, p.Leu561Ser (NM_001354899.2); c.1643T>C, p.Leu548Ser (NM_001354900.2); c.1589T>C, p.Leu530Ser (NM_001354901.2); and 5 more; short protein forms L306S, L429S, L488S, L564S, L498S, L530S, L548S, L599S.
Identifiers: ClinVar variation 820019 (VCV000820019.4), dbSNP rs1580603358, ClinGen allele CA16025175.

ClinVar aggregate classification (germline): Uncertain significance (1 of 4 stars; one submission).

Conditions:
Hereditary cancer-predisposing syndrome. Also called: Neoplastic Syndromes, Hereditary; Tumor predisposition; Hereditary Cancer Syndrome; Hereditary neoplastic syndrome. Identifiers: Orphanet 140162, MedGen C0027672, MeSH D009386, MONDO:0015356.

Submission:

Ambry Genetics
Classification: Uncertain significance for Hereditary cancer-predisposing syndrome. Last evaluated: 2019-06-13. Review status: criteria provided, single submitter. Criteria: Ambry Variant Classification Scheme 2023. Collection method: clinical testing. Allele origin: germline.
Comment: The p.L589S variant (also known as c.1766T>C), located in coding exon 14 of the APC gene, results from a T to C substitution at nucleotide position 1766. The leucine at codon 589 is replaced by serine, an amino acid with dissimilar properties. This amino acid position is highly conserved in available vertebrate species. In addition, the in silico prediction by BayesDel for this alteration is inconclusive. Since supporting evidence is limited at this time, the clinical significance of this alteration remains unclear.